The following is an entry in ClinVar:

NM_152564.5(VPS13B):c.7840C>A (p.Gln2614Lys)

Gene: VPS13B (vacuolar protein sorting 13 homolog B; plus strand). Cytogenetic location: 8q22.2.
Variant type: single nucleotide variant.
Coding change: c.7840C>A on transcript NM_152564.5 (MANE Select); coding-DNA position 7840, C replaced by A.
Protein change: p.Gln2614Lys; replaces glutamine 2614 with lysine.
Molecular consequence: missense variant.
Genome position (GRCh38, 1-based): chr8:99,784,375, C>A. VCF-style: chr8-99784375-C-A. GRCh37 (hg19) VCF-style: chr8-100796603-C-A.
Other names: c.7915C>A, p.Gln2639Lys (NM_017890.5); c.7915C>A (NM_017890.3); short protein forms Q2639K, Q2614K.
Identifiers: ClinVar variation 1983740 (VCV001983740.2), dbSNP rs1812158857, ClinGen allele CA371766539.

ClinVar aggregate classification (germline): Uncertain significance. Review status: criteria provided, multiple submitters, no conflicts (2 of 4 stars). 2 submissions from 2 submitters: Uncertain significance (2). Last evaluated 2026-02-26.

Conditions:
Cohen syndrome (COH1). Also called: PEPPER SYNDROME; Cutis verticis gyrata, retinitis pigmentosa, and sensorineural deafness. Identifiers: Orphanet 193, MedGen C0265223, MONDO:0008999, OMIM 216550.
Inborn genetic diseases. Identifiers: MedGen C0950123, MeSH D030342.

Allele frequency attached by ClinVar (database versions not stated): TOPMed 0.00001.
gnomAD v4.1: 4 of 1,613,742 alleles (0.00025%); highest among the groups gnomAD compares: Non-Finnish European, 0.00034%; no homozygotes.

Submissions (2):

Ambry Genetics
Classification: Uncertain significance for Inborn genetic diseases. Last evaluated: 2026-02-26. Review status: criteria provided, single submitter. Criteria: Ambry Variant Classification Scheme 2023. Collection method: clinical testing. Allele origin: germline.

Labcorp Genetics (formerly Invitae), Labcorp
Classification: Uncertain significance for Cohen syndrome. Last evaluated: 2022-07-24. Review status: criteria provided, single submitter. Criteria: Invitae Variant Classification Sherloc (09022015). Collection method: clinical testing. Allele origin: germline.
Comment: This sequence change replaces glutamine, which is neutral and polar, with lysine, which is basic and polar, at codon 2639 of the VPS13B protein (p.Gln2639Lys). This variant is not present in population databases (gnomAD no frequency). This variant has not been reported in the literature in individuals affected with VPS13B-related conditions. Algorithms developed to predict the effect of missense changes on protein structure and function are either unavailable or do not agree on the potential impact of this missense change (SIFT: "Not Available"; PolyPhen-2: "Benign"; Align-GVGD: "Not Available"). In summary, the available evidence is currently insufficient to determine the role of this variant in disease. Therefore, it has been classified as a Variant of Uncertain Significance.